The following is an entry in ClinVar:

NM_000812.4(GABRB1):c.713G>A (p.Arg238His)

Gene: GABRB1 (gamma-aminobutyric acid type A receptor subunit beta1; plus strand). Cytogenetic location: 4p12.
Variant type: single nucleotide variant.
Coding change: c.713G>A on transcript NM_000812.4 (MANE Select); coding-DNA position 713, G replaced by A.
Protein change: p.Arg238His; replaces arginine 238 with histidine.
Molecular consequence: missense variant.
Genome position (GRCh38, 1-based): chr4:47,403,589, G>A. VCF-style: chr4-47403589-G-A. GRCh37 (hg19) VCF-style: chr4-47405606-G-A.
Other names: c.713G>A (NM_000812.3); short protein forms R238H.
Identifiers: ClinVar variation 1384536 (VCV001384536.9), dbSNP rs752898107, ClinGen allele CA2907675.

ClinVar aggregate classification (germline): Uncertain significance. Review status: criteria provided, multiple submitters, no conflicts (2 of 4 stars). 2 submissions from 2 submitters: Uncertain significance (2). Last evaluated 2025-10-10.

Allele frequency attached by ClinVar (database versions not stated): gnomAD exomes 0.00001 and 0.00002; ExAC 0.00002; TOPMed 0.00002; gnomAD 0.00003 and 0.00004.
gnomAD v4.1: 22 of 1,613,792 alleles (0.0014%); highest among the groups gnomAD compares: African/African-American, 0.0093%; no homozygotes.

Submissions (2):

Labcorp Genetics (formerly Invitae), Labcorp
Classification: Uncertain significance. Last evaluated: 2025-10-10. Review status: criteria provided, single submitter. Criteria: Invitae Variant Classification Sherloc (09022015). Collection method: clinical testing. Allele origin: germline.
Comment: This sequence change replaces arginine, which is basic and polar, with histidine, which is basic and polar, at codon 238 of the GABRB1 protein (p.Arg238His). This variant is present in population databases (rs752898107, gnomAD 0.01%). This variant has not been reported in the literature in individuals affected with GABRB1-related conditions. ClinVar contains an entry for this variant (Variation ID: 1384536). Invitae Evidence Modeling of protein sequence and biophysical properties (such as structural, functional, and spatial information, amino acid conservation, physicochemical variation, residue mobility, and thermodynamic stability) indicates that this missense variant is not expected to disrupt GABRB1 protein function with a negative predictive value of 80%. In summary, the available evidence is currently insufficient to determine the role of this variant in disease. Therefore, it has been classified as a Variant of Uncertain Significance.

Ambry Genetics
Classification: Uncertain significance. Last evaluated: 2024-09-12. Review status: criteria provided, single submitter. Criteria: Ambry Variant Classification Scheme 2023. Collection method: clinical testing. Allele origin: germline.